The following is an entry in ClinVar:

ClinVar aggregate classification (germline): Uncertain significance (1 of 4 stars; one submission).

Submission:

Labcorp Genetics (formerly Invitae), Labcorp
Classification: Uncertain significance. Last evaluated: 2025-07-22. Review status: criteria provided, single submitter. Criteria: Invitae Variant Classification Sherloc (09022015). Collection method: clinical testing. Allele origin: germline.
Comment: This sequence change creates a premature translational stop signal (p.Trp418*) in the GEN1 gene. It is expected to result in an absent or disrupted protein product. However, the current clinical and genetic evidence is not sufficient to establish whether loss-of-function variants in GEN1 cause disease. This variant is not present in population databases (gnomAD no frequency). This variant has not been reported in the literature in individuals affected with GEN1-related conditions. Algorithms developed to predict the effect of sequence changes on RNA splicing suggest that this variant may disrupt the consensus splice site. In summary, the available evidence is currently insufficient to determine the role of this variant in disease. Therefore, it has been classified as a Variant of Uncertain Significance.

NM_001130009.3(GEN1):c.1253G>A (p.Trp418Ter)

Gene: GEN1 (GEN1 structure-specific endonuclease; plus strand). Cytogenetic location: 2p24.2.
Variant type: single nucleotide variant.
Coding change: c.1253G>A on transcript NM_001130009.3 (MANE Select); coding-DNA position 1253, G replaced by A.
Protein change: p.Trp418Ter; replaces tryptophan 418 with a stop codon.
Molecular consequence: nonsense.
Genome position (GRCh38, 1-based): chr2:17,778,052, G>A. VCF-style: chr2-17778052-G-A. GRCh37 (hg19) VCF-style: chr2-17959319-G-A.
Other names: c.1253G>A, p.Trp418Ter (NM_182625.5); short protein forms W418*.
Identifiers: ClinVar variation 4752487 (VCV004752487.1).
Genomic context (GRCh38, chr2:17,778,052, plus strand): 5'-TGTTTTTCAGAATTGTTAAGACTCGAATCAGAAATGGAGTTCATTGTTTTGAAATAGAAT[G>A]GGAAAAGCCTGGTATGTATTCACTTTAAGCAAAATATTCCATTTATAATATTTGACCATG-3'